The following is an entry in ClinVar:

NM_033380.3(COL4A5):c.2451_2483del (p.Gly819_Ile829del)

Gene: COL4A5 (collagen type IV alpha 5 chain; plus strand). Cytogenetic location: Xq22.3.
Variant type: Deletion.
Coding change: c.2451_2483del on transcript NM_033380.3 (MANE Select); coding-DNA positions 2451 to 2483, 33 bases deleted.
Protein change: p.Gly819_Ile829del.
Molecular consequence: inframe deletion.
Genome position (GRCh38, 1-based): chrX:108,614,966-108,614,998, 33 bases deleted; deleting any 33 consecutive bases within chrX:108,614,961-108,614,998 gives the same sequence; the c. name uses the placement nearest the transcript's 3' end. GRCh37 (hg19): chrX:107,858,196-107,858,228.
Other names: c.2451_2483del, p.Gly819_Ile829del (NM_000495.5).
Identifiers: ClinVar variation 2853024 (VCV002853024.3), dbSNP rs2524375533, ClinGen allele CA2739272635.

ClinVar aggregate classification (germline): Pathogenic (1 of 4 stars; one submission).

Submission:

Labcorp Genetics (formerly Invitae), Labcorp
Classification: Pathogenic. Last evaluated: 2023-04-07. Review status: criteria provided, single submitter. Criteria: Invitae Variant Classification Sherloc (09022015). Collection method: clinical testing. Allele origin: germline.
Comment: This variant disrupts the triple helix domain of COL4A5. Glycine residues within the Gly-Xaa-Yaa repeats of the triple helix domain are required for the structure and stability of fibrillar collagens (PMID: 7695699, 8218237, 19344236). In COL4A5, missense variants at these glycine residues are significantly enriched in individuals with disease (PMID: 23720012, 27627812) compared to the general population (ExAC). This variant has not been reported in the literature in individuals affected with COL4A5-related conditions. This variant is not present in population databases (gnomAD no frequency). This variant, c.2451_2483del, results in the deletion of 11 amino acid(s) of the COL4A5 protein (p.Gly819_Ile829del), but otherwise preserves the integrity of the reading frame. This variant disrupts a region of the COL4A5 protein in which other variant(s) (p.Pro826_Gly828del) have been determined to be pathogenic (PMID: 10094548, 31937884; Invitae). This suggests that this is a clinically significant region of the protein, and that variants that disrupt it are likely to be disease-causing. For these reasons, this variant has been classified as Pathogenic.

Literature cited by the submitters: PubMed 7695699; PubMed 8218237; PubMed 19344236; PubMed 23720012; PubMed 27627812; PubMed 10094548; PubMed 31937884.